The following is an entry in ClinVar:

ClinVar aggregate classification (germline): Uncertain significance (1 of 4 stars; one submission).

gnomAD v4.1: 1 of 1,614,244 alleles (0.000062%); highest among the groups gnomAD compares: South Asian, 0.0011%; no homozygotes.

Submission:

Labcorp Genetics (formerly Invitae), Labcorp
Classification: Uncertain significance. Last evaluated: 2024-08-24. Review status: criteria provided, single submitter. Criteria: Invitae Variant Classification Sherloc (09022015). Collection method: clinical testing. Allele origin: germline.
Comment: This sequence change replaces glutamic acid, which is acidic and polar, with glycine, which is neutral and non-polar, at codon 446 of the PPARG protein (p.Glu446Gly). This variant is not present in population databases (gnomAD no frequency). This variant has not been reported in the literature in individuals affected with PPARG-related conditions. Invitae Evidence Modeling of protein sequence and biophysical properties (such as structural, functional, and spatial information, amino acid conservation, physicochemical variation, residue mobility, and thermodynamic stability) indicates that this missense variant is not expected to disrupt PPARG protein function with a negative predictive value of 80%. In summary, the available evidence is currently insufficient to determine the role of this variant in disease. Therefore, it has been classified as a Variant of Uncertain Significance.

NM_138711.6(PPARG):c.1247A>G (p.Glu416Gly)

Gene: PPARG (peroxisome proliferator activated receptor gamma; plus strand). Cytogenetic location: 3p25.2.
Variant type: single nucleotide variant.
Coding change: c.1247A>G on transcript NM_138711.6 (MANE Select); coding-DNA position 1247, A replaced by G.
Protein change: p.Glu416Gly; replaces glutamic acid 416 with glycine.
Molecular consequence: missense variant. On other transcripts: 3 prime UTR variant (5).
Genome position (GRCh38, 1-based): chr3:12,433,964, A>G. VCF-style: chr3-12433964-A-G. GRCh37 (hg19) VCF-style: chr3-12475463-A-G.
Other names: c.*49A>G (NM_001330615.4, NM_001374261.3, NM_001374262.3 and 1 more transcripts); c.1247A>G, p.Glu416Gly (NM_001354666.3, NM_001354667.3, NM_001374263.2 and 3 more transcripts); c.620A>G, p.Glu207Gly (NM_001354669.2); c.*33A>G (NM_001374266.1); c.1337A>G, p.Glu446Gly (NM_015869.5); short protein forms E416G, E446G, E207G.
Identifiers: ClinVar variation 3652996 (VCV003652996.2).